The following is an entry in ClinVar:

ClinVar aggregate classification (germline): Uncertain significance. Review status: criteria provided, multiple submitters, no conflicts (2 of 4 stars). 2 submissions from 2 submitters: Uncertain significance (2). Last evaluated 2023-12-22.

Conditions:
Congenital myasthenic syndrome 8. Also called: Myasthenic syndrome, congenital, 8, with pre- and postsynaptic defects; MYASTHENIC SYNDROME, CONGENITAL, DUE TO AGRIN DEFICIENCY. Identifiers: Orphanet 590, MedGen C3808739, MONDO:0014052, OMIM 615120.
Inborn genetic diseases. Identifiers: MedGen C0950123, MeSH D030342.

Allele frequency attached by ClinVar (database versions not stated): gnomAD exomes below 0.00001; TOPMed 0.00001.
gnomAD v4.1: 1 of 1,613,330 alleles (0.000062%); highest among the groups gnomAD compares: African/African-American, 0.0013%; no homozygotes.

Submissions (2):

Ambry Genetics
Classification: Uncertain significance for Inborn genetic diseases. Last evaluated: 2023-12-22. Review status: criteria provided, single submitter. Criteria: Ambry Variant Classification Scheme 2023. Collection method: clinical testing. Allele origin: germline.

Labcorp Genetics (formerly Invitae), Labcorp
Classification: Uncertain significance for Congenital myasthenic syndrome 8. Last evaluated: 2022-02-28. Review status: criteria provided, single submitter. Criteria: Invitae Variant Classification Sherloc (09022015). Collection method: clinical testing. Allele origin: germline.
Comment: This variant is not present in population databases (gnomAD no frequency). This variant has not been reported in the literature in individuals affected with AGRN-related conditions. Algorithms developed to predict the effect of missense changes on protein structure and function (SIFT, PolyPhen-2, Align-GVGD) all suggest that this variant is likely to be tolerated. Algorithms developed to predict the effect of sequence changes on RNA splicing suggest that this variant may disrupt the consensus splice site. In summary, the available evidence is currently insufficient to determine the role of this variant in disease. Therefore, it has been classified as a Variant of Uncertain Significance. This sequence change replaces serine, which is neutral and polar, with glycine, which is neutral and non-polar, at codon 848 of the AGRN protein (p.Ser848Gly).

NM_198576.4(AGRN):c.2542A>G (p.Ser848Gly)

Gene: AGRN (agrin; plus strand). Cytogenetic location: 1p36.33.
Variant type: single nucleotide variant.
Coding change: c.2542A>G on transcript NM_198576.4 (MANE Select); coding-DNA position 2542, A replaced by G.
Protein change: p.Ser848Gly; replaces serine 848 with glycine.
Molecular consequence: missense variant.
Genome position (GRCh38, 1-based): chr1:1,045,738, A>G. VCF-style: chr1-1045738-A-G. GRCh37 (hg19) VCF-style: chr1-981118-A-G.
Other names: c.2542A>G, p.Ser848Gly (NM_001305275.2); c.2227A>G, p.Ser743Gly (NM_001364727.2); c.2542A>G (NM_198576.3); short protein forms S743G, S848G.
Identifiers: ClinVar variation 2195877 (VCV002195877.5), dbSNP rs1645072442, ClinGen allele CA337840970.